The following is an entry in ClinVar:

ClinVar aggregate classification (germline): Uncertain significance. Review status: criteria provided, multiple submitters, no conflicts (2 of 4 stars). 4 submissions from 4 submitters: Uncertain significance (3). 1 of the submissions does not count toward it. Last evaluated 2023-04-20.

Conditions:
Primary ciliary dyskinesia. Also called: Ciliary dyskinesia. Identifiers: Orphanet 244, MedGen C0008780, MONDO:0016575, HP:0012265.
Primary ciliary dyskinesia 3. Identifiers: Orphanet 244, MedGen C1837618, MONDO:0012085, OMIM 608644.

Allele frequency attached by ClinVar (database versions not stated): ExAC 0.00001; gnomAD 0.00001; gnomAD exomes 0.00001 and 0.00002; TOPMed 0.00002.
gnomAD v4.1: 17 of 1,613,978 alleles (0.0011%); highest among the groups gnomAD compares: Non-Finnish European, 0.0014%; no homozygotes.

Submissions (4):

Ambry Genetics
Classification: Uncertain significance for Primary ciliary dyskinesia. Last evaluated: 2023-04-20. Review status: criteria provided, single submitter. Criteria: Ambry Variant Classification Scheme 2023. Collection method: clinical testing. Allele origin: germline.

Fulgent Genetics
Classification: Uncertain significance for Primary ciliary dyskinesia 3. Last evaluated: 2022-02-25. Review status: criteria provided, single submitter. Criteria: ACMG Guidelines, 2015. Collection method: clinical testing. Allele origin: unknown.

Labcorp Genetics (formerly Invitae), Labcorp
Classification: Uncertain significance for Primary ciliary dyskinesia. Last evaluated: 2021-08-27. Review status: criteria provided, single submitter. Criteria: Invitae Variant Classification Sherloc (09022015). Collection method: clinical testing. Allele origin: germline.
Comment: This sequence change replaces asparagine with serine at codon 2384 of the DNAH5 protein (p.Asn2384Ser). The asparagine residue is highly conserved and there is a small physicochemical difference between asparagine and serine. This variant is present in population databases (rs777962194, ExAC 0.002%). This variant has not been reported in the literature in individuals affected with DNAH5-related conditions. Algorithms developed to predict the effect of missense changes on protein structure and function (SIFT, PolyPhen-2, Align-GVGD) all suggest that this variant is likely to be disruptive. In summary, the available evidence is currently insufficient to determine the role of this variant in disease. Therefore, it has been classified as a Variant of Uncertain Significance.

Natera, Inc.
Classification: Uncertain significance for Primary ciliary dyskinesia. Last evaluated: 2019-10-28. Review status: no assertion criteria provided. Collection method: clinical testing. Allele origin: germline. Not counted in ClinVar's aggregate classification.

NM_001369.3(DNAH5):c.7151A>G (p.Asn2384Ser)

Gene: DNAH5 (dynein axonemal heavy chain 5; minus strand). Cytogenetic location: 5p15.2.
Variant type: single nucleotide variant.
Coding change: c.7151A>G on transcript NM_001369.3 (MANE Select); coding-DNA position 7151, A replaced by G.
Protein change: p.Asn2384Ser; replaces asparagine 2384 with serine.
Molecular consequence: missense variant.
Genome position (GRCh38, 1-based): chr5:13,814,684, T>C on the plus strand (A>G on the coding strand, the complement: DNAH5 is on the minus strand). VCF-style: chr5-13814684-T-C. GRCh37 (hg19) VCF-style: chr5-13814793-T-C.
Other names: short protein forms N2384S.
Identifiers: ClinVar variation 238986 (VCV000238986.14), dbSNP rs777962194, ClinGen allele CA3203170.